The following is an entry in ClinVar:

ClinVar aggregate classification (germline): Benign (1 of 4 stars; one submission).

gnomAD v4.1: 9,964 of 1,323,382 alleles (0.75%); highest among the groups gnomAD compares: Middle Eastern, 2.8%; 67 homozygotes.

Submission:

CeGaT Center for Human Genetics Tuebingen
Classification: Benign. Last evaluated: 2026-09-01. Review status: criteria provided, single submitter. Criteria: CeGaT Center For Human Genetics Tuebingen Variant Classification Criteria Version 2. Collection method: clinical testing. Allele origin: germline. Affected: yes. Observed: 40 variant alleles.
Comment: ATM: BS1, BS2

NM_000051.4(ATM):c.4237-54T>C

Gene: ATM (ATM serine/threonine kinase; plus strand). Cytogenetic location: 11q22.3.
Variant type: single nucleotide variant.
Coding change: c.4237-54T>C on transcript NM_000051.4 (MANE Select); 54 bases into the intron before coding-DNA position 4237, T replaced by C.
Molecular consequence: intron variant.
Genome position (GRCh38, 1-based): chr11:108,289,548, T>C. VCF-style: chr11-108289548-T-C. GRCh37 (hg19) VCF-style: chr11-108160275-T-C.
Other names: c.4237-54T>C (NM_001351834.2).
Identifiers: ClinVar variation 4083624 (VCV004083624.8).